The following is an entry in ClinVar:

ClinVar aggregate classification (germline): Uncertain significance (1 of 4 stars; one submission).

Conditions:
Adenylosuccinate lyase deficiency (ADSLD). Also called: ADSL DEFICIENCY. Identifiers: Orphanet 46, MedGen C0268126, MONDO:0007068, OMIM 103050.

Submission:

Labcorp Genetics (formerly Invitae), Labcorp
Classification: Uncertain significance for Adenylosuccinate lyase deficiency. Last evaluated: 2020-12-03. Review status: criteria provided, single submitter. Criteria: Invitae Variant Classification Sherloc (09022015). Collection method: clinical testing. Allele origin: germline.
Comment: In summary, the available evidence is currently insufficient to determine the role of this variant in disease. Therefore, it has been classified as a Variant of Uncertain Significance. Experimental studies and prediction algorithms are not available or were not evaluated, and the functional significance of this variant is currently unknown. This variant has not been reported in the literature in individuals with ADSL-related conditions. The frequency data for this variant in the population databases is considered unreliable, as metrics indicate insufficient coverage at this position in the ExAC database. This variant occurs in a non-coding region of the ADSL gene. It does not change the encoded amino acid sequence of the ADSL protein.

NC_000022.11:g.40345588_40345589insAAAAAAGG

Gene: ADSL (adenylosuccinate lyase; plus strand). Cytogenetic location: 22q13.1.
Variant type: Insertion.
Genome position: GRCh38 VCF-style: chr22-40345588-A-AAAAAAAGG. GRCh37 (hg19) VCF-style: chr22-40741592-A-AAAAAAAGG.
Identifiers: ClinVar variation 1987627 (VCV001987627.5), dbSNP rs377707583, ClinGen allele CA753179490.
Genomic context (GRCh38, chr22:40,345,588, plus strand): 5'-ATCACCCCACTGGCACTCCAGACTGAACAACATAGCAAGACCCTGTCAAAAAAAAAAAAA[A>AAAAAAAGG]GGGGGGGGGCCACTTGAGTGTTTCTATTTCTATTTATTTATTTAATTCTTTTATTTTTTG-3'